The following is an entry in ClinVar:

ClinVar aggregate classification (germline): Benign. Review status: criteria provided, multiple submitters, no conflicts (2 of 4 stars). 2 submissions from 2 submitters: Benign (2). Last evaluated 2018-01-13.

Conditions:
Histidinemia. Also called: Hyperhistidinemia; Deficiency of histidine ammonia-lyase; HAL DEFICIENCY; HIS DEFICIENCY; HISTIDASE DEFICIENCY; HISTIDINE AMMONIA-LYASE DEFICIENCY. Identifiers: Orphanet 2157, MedGen C0220992, MONDO:0009345, OMIM 235800, HP:0010906.

Allele frequency attached by ClinVar (database versions not stated): gnomAD 0.06609 and 0.07103; TOPMed 0.07277; 1000 Genomes Project 30x 0.13679; 1000 Genomes Project 0.14357.

Submissions (2):

Illumina Laboratory Services, Illumina
Classification: Benign for Histidinemia. Last evaluated: 2018-01-13. Review status: criteria provided, single submitter. Criteria: ICSL Variant Classification Criteria 13 December 2019. Collection method: clinical testing. Allele origin: germline.
Comment: This variant was observed in the ICSL laboratory as part of a predisposition screen in an ostensibly healthy population. It had not been previously curated by ICSL or reported in the Human Gene Mutation Database (HGMD: prior to June 1st, 2018), and was therefore a candidate for classification through an automated scoring system. Utilizing variant allele frequency, disease prevalence and penetrance estimates, and inheritance mode, an automated score was calculated to assess if this variant is too frequent to cause the disease. Based on the score and internal cut-off values, a variant classified as benign is not then subjected to further curation. The score for this variant resulted in a classification of benign for this disease.

Breakthrough Genomics
Classification: Benign. Review status: criteria provided, single submitter. Criteria: ACMG Guidelines, 2015. Collection method: not provided. Allele origin: germline. Inheritance: Autosomal recessive inheritance. Affected: yes.

NM_002108.4(HAL):c.*1499A>G

Gene: HAL (histidine ammonia-lyase; minus strand). Cytogenetic location: 12q23.1.
Variant type: single nucleotide variant.
Coding change: c.*1499A>G on transcript NM_002108.4 (MANE Select); 1499 bases downstream of the stop codon, A replaced by G.
Molecular consequence: 3 prime UTR variant.
Genome position (GRCh38, 1-based): chr12:95,972,733, T>C on the plus strand (A>G on the coding strand, the complement: HAL is on the minus strand). VCF-style: chr12-95972733-T-C. GRCh37 (hg19) VCF-style: chr12-96366511-T-C.
Other names: c.*1499A>G (NM_001258333.2); c.*1627A>G (NM_001258334.2).
Identifiers: ClinVar variation 310673 (VCV000310673.6), dbSNP rs3812807, ClinGen allele CA10638793.